The following is an entry in ClinVar:

NM_004259.7(RECQL5):c.130+5C>A

Genes: RECQL5 (RecQ like helicase 5; minus strand), LOC126862642 (BRD4-independent group 4 enhancer GRCh37_chr17:73662359-73663558; plus strand). Cytogenetic location: 17q25.1.
Variant type: single nucleotide variant.
Coding change: c.130+5C>A on transcript NM_004259.7 (MANE Select); 5 bases into the intron after coding-DNA position 130, C replaced by A.
Molecular consequence: intron variant.
Genome position (GRCh38, 1-based): chr17:75,666,423, G>T on the plus strand (C>A on the coding strand, the complement: RECQL5 is on the minus strand). VCF-style: chr17-75666423-G-T. GRCh37 (hg19) VCF-style: chr17-73662503-G-T.
Other names: c.130+5C>A (NM_001003716.4, NM_001003715.4).
Identifiers: ClinVar variation 3061661 (VCV003061661.2), dbSNP rs756200445, ClinGen allele CA8768039.

ClinVar aggregate classification (germline): Likely benign (0 of 4 stars; one submission).

Conditions:
RECQL5-related disorder. Also called: RECQL5-related condition.

Allele frequency attached by ClinVar (database versions not stated): gnomAD 0.00001; TOPMed 0.00003.
gnomAD v4.1: 36 of 1,613,634 alleles (0.0022%); highest among the groups gnomAD compares: Admixed American, 0.0033%; no homozygotes.

Submission:

PreventionGenetics, part of Exact Sciences
Classification: Likely benign for RECQL5-related condition. Last evaluated: 2023-12-11. Review status: no assertion criteria provided. Collection method: clinical testing. Allele origin: germline.
Comment: This variant is classified as likely benign based on ACMG/AMP sequence variant interpretation guidelines (Richards et al. 2015 PMID: 25741868, with internal and published modifications).